The following is an entry in ClinVar:

NM_006204.4(PDE6C):c.1718C>T (p.Thr573Ile)

Gene: PDE6C (phosphodiesterase 6C; plus strand). Cytogenetic location: 10q23.33.
Variant type: single nucleotide variant.
Coding change: c.1718C>T on transcript NM_006204.4 (MANE Select); coding-DNA position 1718, C replaced by T.
Protein change: p.Thr573Ile; replaces threonine 573 with isoleucine.
Molecular consequence: missense variant.
Genome position (GRCh38, 1-based): chr10:93,640,538, C>T. VCF-style: chr10-93640538-C-T. GRCh37 (hg19) VCF-style: chr10-95400295-C-T.
Other names: short protein forms T573I.
Identifiers: ClinVar variation 1965783 (VCV001965783.5), dbSNP rs1024606564, ClinGen allele CA211540233.

ClinVar aggregate classification (germline): Uncertain significance (1 of 4 stars; one submission).

Allele frequency attached by ClinVar (database versions not stated): gnomAD exomes below 0.00001.

Submission:

Labcorp Genetics (formerly Invitae), Labcorp
Classification: Uncertain significance. Last evaluated: 2022-09-06. Review status: criteria provided, single submitter. Criteria: Invitae Variant Classification Sherloc (09022015). Collection method: clinical testing. Allele origin: germline.
Comment: This sequence change replaces threonine, which is neutral and polar, with isoleucine, which is neutral and non-polar, at codon 573 of the PDE6C protein (p.Thr573Ile). This variant is not present in population databases (gnomAD no frequency). This variant has not been reported in the literature in individuals affected with PDE6C-related conditions. Algorithms developed to predict the effect of missense changes on protein structure and function are either unavailable or do not agree on the potential impact of this missense change (SIFT: "Deleterious"; PolyPhen-2: "Probably Damaging"; Align-GVGD: "Class C15"). In summary, the available evidence is currently insufficient to determine the role of this variant in disease. Therefore, it has been classified as a Variant of Uncertain Significance.